The following is an entry in ClinVar:

ClinVar aggregate classification (germline): Uncertain significance (1 of 4 stars; one submission).

Conditions:
Joubert syndrome. Also called: CEREBELLOPARENCHYMAL DISORDER IV; JOUBERT-BOLTSHAUSER SYNDROME; Familial aplasia of the vermis. Identifiers: Orphanet 475, MedGen C5979921, MONDO:0018772.
Orofaciodigital syndrome I (OFD1). Also called: OFDS I; Papillon-Leage and Psaume Syndrome; Oral-Facial-Digital Syndrome Type I. Identifiers: Orphanet 2750, MedGen C1510460, MONDO:0010702, OMIM 311200.

Submission:

Labcorp Genetics (formerly Invitae), Labcorp
Classification: Uncertain significance for Orofaciodigital syndrome I; Joubert syndrome. Last evaluated: 2024-04-30. Review status: criteria provided, single submitter. Criteria: Invitae Variant Classification Sherloc (09022015). Collection method: clinical testing. Allele origin: germline.
Comment: This sequence change replaces tyrosine, which is neutral and polar, with cysteine, which is neutral and slightly polar, at codon 863 of the OFD1 protein (p.Tyr863Cys). This variant is not present in population databases (gnomAD no frequency). This variant has not been reported in the literature in individuals affected with OFD1-related conditions. ClinVar contains an entry for this variant (Variation ID: 2013740). Advanced modeling of protein sequence and biophysical properties (such as structural, functional, and spatial information, amino acid conservation, physicochemical variation, residue mobility, and thermodynamic stability) performed at Invitae indicates that this missense variant is not expected to disrupt OFD1 protein function with a negative predictive value of 80%. In summary, the available evidence is currently insufficient to determine the role of this variant in disease. Therefore, it has been classified as a Variant of Uncertain Significance.

NM_003611.3(OFD1):c.2588A>G (p.Tyr863Cys)

Gene: OFD1 (OFD1 centriole and centriolar satellite protein; plus strand). Cytogenetic location: Xp22.2.
Variant type: single nucleotide variant.
Coding change: c.2588A>G on transcript NM_003611.3 (MANE Select); coding-DNA position 2588, A replaced by G.
Protein change: p.Tyr863Cys; replaces tyrosine 863 with cysteine.
Molecular consequence: missense variant.
Genome position (GRCh38, 1-based): chrX:13,763,844, A>G. VCF-style: chrX-13763844-A-G. GRCh37 (hg19) VCF-style: chrX-13781963-A-G.
Other names: c.2468A>G, p.Tyr823Cys (NM_001330209.2); c.2168A>G, p.Tyr723Cys (NM_001330210.2); short protein forms Y723C, Y863C, Y823C.
Identifiers: ClinVar variation 2013740 (VCV002013740.4), dbSNP rs2518971684, ClinGen allele CA412345611.